The following is an entry in ClinVar:

NM_000552.5(VWF):c.974G>T (p.Cys325Phe)

Gene: VWF (von Willebrand factor; minus strand). Cytogenetic location: 12p13.31.
Variant type: single nucleotide variant.
Coding change: c.974G>T on transcript NM_000552.5 (MANE Select); coding-DNA position 974, G replaced by T.
Protein change: p.Cys325Phe; replaces cysteine 325 with phenylalanine.
Molecular consequence: missense variant.
Genome position (GRCh38, 1-based): chr12:6,073,642, C>A on the plus strand (G>T on the coding strand, the complement: VWF is on the minus strand). VCF-style: chr12-6073642-C-A. GRCh37 (hg19) VCF-style: chr12-6182808-C-A.
Other names: p.Cys325Phe; c.974G>T (NM_000552.4); short protein forms C325F.
Identifiers: ClinVar variation 1050622 (VCV001050622.14), dbSNP rs11837584, ClinGen allele CA6403613.

ClinVar aggregate classification (germline): Conflicting classifications of pathogenicity. Review status: criteria provided, conflicting classifications (1 of 4 stars). 7 submissions from 7 submitters: Uncertain significance (4); Likely benign (1). 2 of the submissions do not count toward it. Last evaluated 2026-05-27.

Conditions:
von Willebrand disease type 1 (VWD1). Also called: VWD, TYPE 1; VON WILLEBRAND DISEASE, TYPE I. Identifiers: Orphanet 166078, Orphanet 903, MedGen C1264039, MONDO:0008668, OMIM 193400. Inheritance: autosomal recessive or autosomal dominant.
von Willebrand disease type 3 (VWD3). Also called: Type 3 Von Willebrand's disease; Type 3 VWD; Von Willebrand disease, severe form; V WD3; VON WILLEBRAND DISEASE, TYPE III. Identifiers: Orphanet 166096, MedGen C1264041, MONDO:0010191, OMIM 277480.

Allele frequency attached by ClinVar (database versions not stated): gnomAD exomes 0.00009 and 0.00031; gnomAD 0.00103 and 0.00111; ESP Exome Variant Server 0.00131; 1000 Genomes Project 0.00180; ExAC 0.00039; TOPMed 0.00117; 1000 Genomes Project 30x 0.00156.
gnomAD v4.1: 301 of 1,614,158 alleles (0.019%); highest among the groups gnomAD compares: African/African-American, 0.35%; 1 homozygote.

Submissions (7):

Women's Health and Genetics/Laboratory Corporation of America, LabCorp
Classification: Likely benign. Last evaluated: 2026-05-27. Review status: criteria provided, single submitter. Criteria: LabCorp Variant Classification Summary - May 2015. Collection method: clinical testing. Allele origin: germline.
Comment: Variant summary: VWF c.974G>T (p.Cys325Phe) results in a non-conservative amino acid change in the encoded protein sequence. Algorithms developed to predict the effect of missense changes on protein structure and function all suggest that this variant is likely to be disruptive. The variant allele was found at a frequency of 0.00031 in 251404 control chromosomes, predominantly at a frequency of 0.0043 within the African or African-American subpopulation in the gnomAD database. The observed variant frequency within African or African-American control individuals in the gnomAD database exceeds the estimated maximal expected allele frequency for disease-causing variants in VWF. c.974G>T has been reported in the literature in at-least one individual affected with Type 1 Von Willebrand Disease, one individual with a low VWF antigen level, and in at-least one individual with a clinical or suspected diagnosis of Atypical hemolytic uremic syndrome, without strong evidence for causality (example: Connaughton_ 2023, Sadler_2021, Veyradier_2016). These reports do not provide unequivocal conclusions about association of the variant with disease. To our knowledge, no experimental evidence demonstrating an impact on protein function has been reported. The following publications have been ascertained in the context of this evaluation (PMID: 37466676, 33556167, 26986123). ClinVar contains an entry for this variant (Variation ID: 1050622). Based on the evidence outlined above, the variant was classified as likely benign.

Mayo Clinic Laboratories, Mayo Clinic
Classification: Uncertain significance. Last evaluated: 2025-09-15. Review status: criteria provided, single submitter. Criteria: ACMG Guidelines, 2015. Collection method: clinical testing. Allele origin: germline. Observed: 2 variant alleles.
Comment: PP3_moderate, PS4_supporting

Quest Diagnostics Nichols Institute San Juan Capistrano
Classification: Uncertain significance. Last evaluated: 2025-09-15. Review status: criteria provided, single submitter. Criteria: Quest Diagnostics criteria. Collection method: clinical testing. Allele origin: unknown.
Comment: The VWF c.974G>T (p.Cys325Phe) variant has been reported in the published literature in individuals affected with, or show hematological features of, von Willebrand disease (vWD) (PMID: 26986123 (2016), 33556167 (2021), 39002731 (2024)) and atypical hemolytic uremic syndrome (PMID: 37466676 (2023)). The frequency of this variant in the general population (Genome Aggregation Database) is uninformative in the assessment of its pathogenicity. Analysis of this variant using bioinformatics tools for the prediction of the effect of amino acid changes on protein structure and function yielded predictions that this variant is damaging. Based on the available information, we are unable to determine the clinical significance of this variant.

ARUP Laboratories, Molecular Genetics and Genomics, ARUP Laboratories
Classification: Uncertain significance. Last evaluated: 2023-10-06. Review status: criteria provided, single submitter. Criteria: ARUP Molecular Germline Variant Investigation Process 2024. Collection method: clinical testing. Allele origin: germline.
Comment: The VWF c.974G>T; p.Cys325Phe variant (rs11837584) is reported in the literature in a cohort of individuals with VWD type 1 (Veyradier 2016). This variant is also reported in ClinVar (Variation ID: 1050622). It is found in the African/African American population with an allele frequency of 0.4% (99/24962 alleles) in the Genome Aggregation Database. The cysteine at codon 325 is highly conserved, and computational analyses predict that this variant is deleterious (REVEL: 0.896). However, due to limited information, the clinical significance of this variant is uncertain at this time. References: Veyradier A et al. A Laboratory Phenotype/Genotype Correlation of 1167 French Patients From 670 Families With von Willebrand Disease: A New Epidemiologic Picture. Medicine (Baltimore). 2016 Mar;95(11):e3038. PMID: 26986123.

3billion
Classification: Uncertain significance for von Willebrand disease type 3. Last evaluated: 2022-05-22. Review status: criteria provided, single submitter. Criteria: ACMG Guidelines, 2015. Collection method: clinical testing. Allele origin: germline. Affected: yes. Observed: 1 heterozygote.
Comment: The variant is observed at an extremely low frequency in the gnomAD v2.1.1 dataset (total allele frequency: 0.038%). In silico tool predictions suggest damaging effect of the variant on gene or gene product (REVEL: 0.90; 3Cnet: 3CNET). Therefore, this variant is classified as uncertain significanceaccording to the recommendation of ACMG/AMP guideline.

Zotz-Klimas Genetics Lab, MVZ Zotz Klimas
Classification: Uncertain significance for von Willebrand disease type 1. Last evaluated: 2023-11-24. Review status: no assertion criteria provided. Collection method: clinical testing. Allele origin: germline. Affected: yes. Not counted in ClinVar's aggregate classification.

Department of Pathology and Laboratory Medicine, Sinai Health System
Classification: Uncertain significance. Review status: no assertion criteria provided. Collection method: clinical testing. Allele origin: unknown. Affected: yes. Study: The Canadian Open Genetics Repository (COGR). Not counted in ClinVar's aggregate classification.
Comment: The VWF p.Cys325Phe variant was not identified in the literature nor was it identified in the ClinVar, Cosmic, or LOVD 3.0 databases. The variant was identified in dbSNP (ID: rs11837584) and in control databases in 107 of 282802 chromosomes at a frequency of 0.000378 increasing the likelihood this could be a low frequency benign variant (Genome Aggregation Database Feb 27, 2017). The variant was observed in the following populations: African in 99 of 24962 chromosomes (freq: 0.003966), Latino in 5 of 35438 chromosomes (freq: 0.000141) and European (non-Finnish) in 3 of 129192 chromosomes (freq: 0.000023); it was not observed in the Ashkenazi Jewish, East Asian, European (Finnish), Other or South Asian populations. The p.Cys325 residue is conserved in mammals and computational analyses (PolyPhen-2, SIFT, AlignGVGD, BLOSUM, MutationTaster) suggest that the variant may impact the protein. The variant occurs outside of the splicing consensus sequence and in silico or computational prediction software programs (SpliceSiteFinder, MaxEntScan, NNSPLICE, GeneSplicer) do not predict a difference in splicing. In summary, based on the above information the clinical significance of this variant cannot be determined with certainty at this time. This variant is classified as a variant of uncertain significance.

Literature cited by the submitters: PubMed 26986123 (cited by 3 submitters); PubMed 33556167 (cited by Women's Health and Genetics/Laboratory Corporation of America, LabCorp and Quest Diagnostics Nichols Institute San Juan Capistrano); PubMed 37466676 (cited by Women's Health and Genetics/Laboratory Corporation of America, LabCorp and Quest Diagnostics Nichols Institute San Juan Capistrano); PubMed 23690449 (cited by Mayo Clinic Laboratories, Mayo Clinic and Quest Diagnostics Nichols Institute San Juan Capistrano); PubMed 39002731 (cited by Mayo Clinic Laboratories, Mayo Clinic and Quest Diagnostics Nichols Institute San Juan Capistrano); PubMed 37647632 (cited by Quest Diagnostics Nichols Institute San Juan Capistrano).